The following is an entry in ClinVar:

NM_012309.5(SHANK2):c.4980-3756C>A

Gene: SHANK2 (SH3 and multiple ankyrin repeat domains 2; minus strand). Cytogenetic location: 11q13.3.
Variant type: single nucleotide variant.
Coding change: c.4980-3756C>A on transcript NM_012309.5 (MANE Select); 3756 bases into the intron before coding-DNA position 4980, C replaced by A.
Molecular consequence: intron variant.
Genome position (GRCh38, 1-based): chr11:70,477,195, G>T on the plus strand (C>A on the coding strand, the complement: SHANK2 is on the minus strand). VCF-style: chr11-70477195-G-T. GRCh37 (hg19) VCF-style: chr11-70323300-G-T.
Other names: c.3843-3756C>A (NM_001379226.1); c.3216-3756C>A (NM_133266.5).
Identifiers: ClinVar variation 2642072 (VCV002642072.24), dbSNP rs187605302, ClinGen allele CA223592596.

ClinVar aggregate classification (germline): Likely benign (1 of 4 stars; one submission).

Allele frequency attached by ClinVar (database versions not stated): TOPMed 0.00067; gnomAD 0.00077; 1000 Genomes Project 0.00120; 1000 Genomes Project 30x 0.00125.

Submission:

CeGaT Center for Human Genetics Tuebingen
Classification: Likely benign. Last evaluated: 2023-01-01. Review status: criteria provided, single submitter. Criteria: CeGaT Center For Human Genetics Tuebingen Variant Classification Criteria Version 2. Collection method: clinical testing. Allele origin: germline. Affected: yes. Observed: 2 variant alleles.
Comment: SHANK2: BS1